The following is an entry in ClinVar:

NM_016180.5(SLC45A2):c.561A>G (p.Thr187=)

Gene: SLC45A2 (solute carrier family 45 member 2; minus strand). Cytogenetic location: 5p13.2.
Variant type: single nucleotide variant.
Coding change: c.561A>G on transcript NM_016180.5 (MANE Select); coding-DNA position 561, A replaced by G.
Protein change: p.Thr187=; no amino-acid change (threonine 187 retained).
Molecular consequence: synonymous variant.
Genome position (GRCh38, 1-based): chr5:33,982,237, T>C on the plus strand (A>G on the coding strand, the complement: SLC45A2 is on the minus strand). VCF-style: chr5-33982237-T-C. GRCh37 (hg19) VCF-style: chr5-33982342-T-C.
Other names: c.561A>G, p.Thr187= (NM_001012509.4, NM_001297417.4).
Identifiers: ClinVar variation 1956381 (VCV001956381.2), dbSNP rs201206701, ClinGen allele CA3225774.

ClinVar aggregate classification (germline): Uncertain significance (1 of 4 stars; one submission).

Allele frequency attached by ClinVar (database versions not stated): ExAC 0.00001; gnomAD exomes 0.00001; TOPMed 0.00001; ESP Exome Variant Server 0.00008.
gnomAD v4.1: 10 of 1,613,970 alleles (0.00062%); highest among the groups gnomAD compares: Non-Finnish European, 0.00085%; no homozygotes.

Submission:

Labcorp Genetics (formerly Invitae), Labcorp
Classification: Uncertain significance. Last evaluated: 2022-09-26. Review status: criteria provided, single submitter. Criteria: Invitae Variant Classification Sherloc (09022015). Collection method: clinical testing. Allele origin: germline.
Comment: This sequence change affects codon 187 of the SLC45A2 mRNA. It is a 'silent' change, meaning that it does not change the encoded amino acid sequence of the SLC45A2 protein. It affects a nucleotide within the consensus splice site. This variant is present in population databases (rs201206701, gnomAD 0.002%). This variant has been observed in individual(s) with clinical features of ocular albinism (Invitae). In at least one individual the data is consistent with being in trans (on the opposite chromosome) from a pathogenic variant. Algorithms developed to predict the effect of sequence changes on RNA splicing suggest that this variant may disrupt the consensus splice site. In summary, the available evidence is currently insufficient to determine the role of this variant in disease. Therefore, it has been classified as a Variant of Uncertain Significance.